The following is an entry in ClinVar:

NM_001453.3(FOXC1):c.-429C>G

Genes: FOXC1 (forkhead box C1; plus strand), LOC129995600 (ATAC-STARR-seq lymphoblastoid silent region 16824; plus strand). Cytogenetic location: 6p25.3.
Variant type: single nucleotide variant.
Coding change: c.-429C>G on transcript NM_001453.3 (MANE Select); 429 bases upstream of the start codon, C replaced by G.
Molecular consequence: 5 prime UTR variant.
Genome position (GRCh38, 1-based): chr6:1,610,017, C>G. VCF-style: chr6-1610017-C-G. GRCh37 (hg19) VCF-style: chr6-1610252-C-G.
Identifiers: ClinVar variation 183251 (VCV000183251.4), dbSNP rs77888940, ClinGen allele CA235499.

ClinVar aggregate classification (germline): Conflicting classifications of pathogenicity. Review status: criteria provided, conflicting classifications (1 of 4 stars). 3 submissions from 3 submitters: Uncertain significance (1); Likely benign (1). 1 of the submissions does not count toward it. Last evaluated 2025-11-26.

Conditions:
FOXC1-related disorder. Also called: FOXC1-related condition.

Allele frequency attached by ClinVar (database versions not stated): TOPMed 0.00035.

Submissions (3):

PreventionGenetics, part of Exact Sciences
Classification: Likely benign for FOXC1-related condition. Last evaluated: 2025-11-26. Review status: criteria provided, single submitter. Criteria: ACMG Guidelines, 2015. Collection method: clinical testing. Allele origin: germline.
Comment: This variant is classified as likely benign based on ACMG/AMP sequence variant interpretation guidelines (Richards et al. 2015 PMID: 25741868, with internal and published modifications).

Mendelics
Classification: Uncertain significance. Last evaluated: 2022-05-04. Review status: criteria provided, single submitter. Criteria: Mendelics Assertion Criteria 2019. Collection method: clinical testing. Allele origin: germline.

Human Genetics School of Medicine of Albacete, Castilla-La Mancha University
Classification: Pathogenic. Review status: no assertion criteria provided. Collection method: not provided. Allele origin: inherited. Not counted in ClinVar's aggregate classification.
Comment: Primary Congenital Glaucoma/Juvenile Open Angle Glaucoma
ClinVar note: Converted during submission from pathogenic to Pathogenic.